The following is an entry in ClinVar:

ClinVar aggregate classification (germline): Likely pathogenic (1 of 4 stars; one submission).

Conditions:
Alpha thalassemia-X-linked intellectual disability syndrome (ATRX). Also called: Alpha thalassemia mental retardation syndrome, nondeletion type, X-linked; XLMR hypotonic face syndrome; ALPHA-THALASSEMIA/MENTAL RETARDATION SYNDROME, X-LINKED; ATR, NONDELETION TYPE; ATR-X syndrome; X-linked alpha-thalassemia-mental retardation syndrome. Identifiers: Orphanet 847, MedGen C1845055, MONDO:0010519, OMIM 301040.

Submission:

Center for Human Genetics and Genomic Medicine, Uniklinik Rwth Aachen
Classification: Likely pathogenic for Alpha thalassemia-X-linked intellectual disability syndrome. Last evaluated: 2023-11-02. Review status: criteria provided, single submitter. Criteria: ACMG Guidelines, 2015. Collection method: clinical testing. Allele origin: maternal. Inheritance: X-linked inheritance. Affected: yes. Observed: 1 hemizygote.
Comment: The variant has not been detected in the general population (gnomAD). It has not yet been described in the literature or in the ClinVar and dbSNP151 databases. Another amino acid substitution at this position (NM_000489.6:c.4826A>G, p.(His1609Arg)) has already been reported in a patient with ATRX syndrome (PMID: 7697714, PMID: 18409179) and is listed twice in ClinVar as (likely) pathogenic (Variation ID 11721). The variant is located in a mutational hotspot in the Snf2 domain and a destabilizing effect on the ATRX protein has been demonstrated for mutations of the highly conserved amino acid His1609. (PMID: 21505078) Bioinformatically, the change is classified as "probably disease-causing" (PolyPhen2, mutation taster, SIFT; CADDphred 27.8). The variant is currently considered as likely pathogenic (ACMG criteria).

Literature cited by the submitters: PubMed 7697714; PubMed 18409179; PubMed 21505078.

NM_000489.6(ATRX):c.4825C>T (p.His1609Tyr)

Gene: ATRX (ATRX chromatin remodeler; minus strand). Cytogenetic location: Xq21.1.
Variant type: single nucleotide variant.
Coding change: c.4825C>T on transcript NM_000489.6 (MANE Select); coding-DNA position 4825, C replaced by T.
Protein change: p.His1609Tyr; replaces histidine 1609 with tyrosine.
Molecular consequence: missense variant.
Genome position (GRCh38, 1-based): chrX:77,633,697, G>A on the plus strand (C>T on the coding strand, the complement: ATRX is on the minus strand). VCF-style: chrX-77633697-G-A. GRCh37 (hg19) VCF-style: chrX-76889185-G-A.
Other names: c.4711C>T, p.His1571Tyr (NM_138270.5); short protein forms H1571Y, H1609Y.
Identifiers: ClinVar variation 2628370 (VCV002628370.2), dbSNP rs2522399270, ClinGen allele CA413704778.